The following is an entry in ClinVar:

NM_003482.4(KMT2D):c.14186G>A (p.Arg4729Gln)

Gene: KMT2D (lysine methyltransferase 2D; minus strand). Cytogenetic location: 12q13.12.
Variant type: single nucleotide variant.
Coding change: c.14186G>A on transcript NM_003482.4 (MANE Select); coding-DNA position 14186, G replaced by A.
Protein change: p.Arg4729Gln; replaces arginine 4729 with glutamine.
Molecular consequence: missense variant.
Genome position (GRCh38, 1-based): chr12:49,029,126, C>T on the plus strand (G>A on the coding strand, the complement: KMT2D is on the minus strand). VCF-style: chr12-49029126-C-T. GRCh37 (hg19) VCF-style: chr12-49422909-C-T.
Other names: c.14186G>A (NM_003482.3); short protein forms R4729Q.
Identifiers: ClinVar variation 1379328 (VCV001379328.10), dbSNP rs551404784, ClinGen allele CA6545811.
Genomic context (GRCh38, chr12:49,029,126, plus strand): 5'-ATGCTGGCCCGAGGAATGAGGGGGATGACAGGGGAGAGGGCCCGGTCCTCTTGCTCCCAC[C>T]GGCCTGAGCCCAGATGAGGGAAACGAGGGGCCTCCTCCCCCAAGATGCTCTCAGGGGATG-3'
Protein context (NP_003473.3, residues 4719-4739): APRFPHLGSG[Arg4729Gln]WEQEDRALSP

ClinVar aggregate classification (germline): Conflicting classifications of pathogenicity. Review status: criteria provided, conflicting classifications (1 of 4 stars). 3 submissions from 3 submitters: Uncertain significance (1); Benign (1); Likely benign (1). Last evaluated 2026-07-01.

Conditions:
Kabuki syndrome. Also called: Kabuki make-up syndrome; NIIKAWA-KUROKI SYNDROME. Identifiers: Orphanet 2322, MedGen C0796004, MONDO:0016512.
KMT2D-related disorder. Also called: KMT2D-Related Disorders.

Allele frequency attached by ClinVar (database versions not stated): gnomAD 0.00001 and 0.00002; TOPMed 0.00001; ExAC 0.00002; 1000 Genomes Project 0.00020; 1000 Genomes Project 30x 0.00031.
gnomAD v4.1: 18 of 1,613,324 alleles (0.0011%); highest among the groups gnomAD compares: Admixed American, 0.005%; no homozygotes.

Submissions (3):

CeGaT Center for Human Genetics Tuebingen
Classification: Likely benign. Last evaluated: 2026-07-01. Review status: criteria provided, single submitter. Criteria: CeGaT Center For Human Genetics Tuebingen Variant Classification Criteria Version 2. Collection method: clinical testing. Allele origin: germline. Affected: yes. Observed: 1 variant allele.
Comment: KMT2D: BP4, BS2

Labcorp Genetics (formerly Invitae), Labcorp
Classification: Benign for Kabuki syndrome. Last evaluated: 2025-11-03. Review status: criteria provided, single submitter. Criteria: Invitae Variant Classification Sherloc (09022015). Collection method: clinical testing. Allele origin: germline.

PreventionGenetics, part of Exact Sciences
Classification: Uncertain significance for KMT2D-related condition. Last evaluated: 2024-12-27. Review status: criteria provided, single submitter. Criteria: ACMG Guidelines, 2015. Collection method: clinical testing. Allele origin: germline.
Comment: The KMT2D c.14186G>A variant is predicted to result in the amino acid substitution p.Arg4729Gln. To our knowledge, this variant has not been reported in the literature. This variant is reported in 0.0058% of alleles in individuals of Latino descent in gnomAD. Although we suspect that this variant may be benign, at this time, the clinical significance of this variant is uncertain due to the absence of conclusive functional and genetic evidence.